The following is an entry in ClinVar:

ClinVar aggregate classification (germline): Uncertain significance (1 of 4 stars; one submission).

Conditions:
Long QT syndrome (LQTS). Identifiers: MedGen C0023976, MeSH D008133, MONDO:0002442. Disease mechanism: loss of function. Inheritance: Various modes of inheritance.

Submission:

Labcorp Genetics (formerly Invitae), Labcorp
Classification: Uncertain significance for Long QT syndrome. Last evaluated: 2020-12-11. Review status: criteria provided, single submitter. Criteria: Invitae Variant Classification Sherloc (09022015). Collection method: clinical testing. Allele origin: germline.
Comment: In summary, the available evidence is currently insufficient to determine the role of this variant in disease. Therefore, it has been classified as a Variant of Uncertain Significance. Algorithms developed to predict the effect of missense changes on protein structure and function are either unavailable or do not agree on the potential impact of this missense change (SIFT: "Tolerated"; PolyPhen-2: "Possibly Damaging"; Align-GVGD: "Class C0"). This variant has not been reported in the literature in individuals with ANK2-related conditions. This variant is not present in population databases (ExAC no frequency). This sequence change replaces proline with serine at codon 2406 of the ANK2 protein (p.Pro2406Ser). The proline residue is moderately conserved and there is a moderate physicochemical difference between proline and serine.

NM_001148.6(ANK2):c.7216C>T (p.Pro2406Ser)

Genes: ANK2 (ankyrin 2; plus strand), LOC126807137 (CDK7 strongly-dependent group 2 enhancer GRCh37_chr4:114276560-114277759; plus strand). Cytogenetic location: 4q26.
Variant type: single nucleotide variant.
Coding change: c.7216C>T on transcript NM_001148.6 (MANE Select); coding-DNA position 7216, C replaced by T.
Protein change: p.Pro2406Ser; replaces proline 2406 with serine.
Molecular consequence: missense variant. On other transcripts: intron variant (68).
Genome position (GRCh38, 1-based): chr4:113,355,834, C>T. VCF-style: chr4-113355834-C-T. GRCh37 (hg19) VCF-style: chr4-114276990-C-T.
Other names: c.6982C>T, p.Pro2328Ser (NM_001386142.1); c.3616C>T, p.Pro1206Ser (NM_001386166.1); c.7357C>T, p.Pro2453Ser (NM_001386174.1); c.7333C>T, p.Pro2445Ser (NM_001386175.1); c.4412-4989C>T (NM_001386186.2, NM_001386148.2); c.4214-4989C>T (NM_001354269.3); c.4292-4989C>T (NM_001386187.2); c.4253-4989C>T (NM_001386147.1); and 35 more; short protein forms P2406S, P2328S, P2445S, P1206S, P2453S.
Identifiers: ClinVar variation 1399167 (VCV001399167.8), dbSNP rs1430842551, ClinGen allele CA357929866.